The following is an entry in ClinVar:

ClinVar aggregate classification (germline): Pathogenic (1 of 4 stars; one submission).

Submission:

Labcorp Genetics (formerly Invitae), Labcorp
Classification: Pathogenic. Last evaluated: 2024-01-24. Review status: criteria provided, single submitter. Criteria: Invitae Variant Classification Sherloc (09022015). Collection method: clinical testing. Allele origin: germline.
Comment: This sequence change creates a premature translational stop signal (p.Gln1194*) in the POLE gene. It is expected to result in an absent or disrupted protein product. Loss-of-function variants in POLE are known to be pathogenic (PMID: 23230001, 25948378, 30503519). This variant is not present in population databases (gnomAD no frequency). This variant has not been reported in the literature in individuals affected with POLE-related conditions. ClinVar contains an entry for this variant (Variation ID: 1904710). RNA analysis performed to evaluate the impact of this premature translational stop signal on mRNA splicing indicates it does not significantly alter splicing (Invitae). For these reasons, this variant has been classified as Pathogenic.

Literature cited by the submitters: PubMed 23230001; PubMed 25948378; PubMed 30503519.

NM_006231.4(POLE):c.3580C>T (p.Gln1194Ter)

Gene: POLE (DNA polymerase epsilon, catalytic subunit; minus strand). Cytogenetic location: 12q24.33.
Variant type: single nucleotide variant.
Coding change: c.3580C>T on transcript NM_006231.4 (MANE Select); coding-DNA position 3580, C replaced by T.
Protein change: p.Gln1194Ter; replaces glutamine 1194 with a stop codon.
Molecular consequence: nonsense.
Genome position (GRCh38, 1-based): chr12:132,657,138, G>A on the plus strand (C>T on the coding strand, the complement: POLE is on the minus strand). VCF-style: chr12-132657138-G-A. GRCh37 (hg19) VCF-style: chr12-133233724-G-A.
Other names: short protein forms Q1194*.
Identifiers: ClinVar variation 1904710 (VCV001904710.5), dbSNP rs1234395996, ClinGen allele CA387388287.